The following is an entry in ClinVar:

ClinVar aggregate classification (germline): Benign. Review status: criteria provided, multiple submitters, no conflicts (2 of 4 stars). 2 submissions from 2 submitters: Benign (2). Last evaluated 2021-02-24.

Allele frequency attached by ClinVar (database versions not stated): gnomAD 0.56175 and 0.56403; TOPMed 0.56746; 1000 Genomes Project 30x 0.58120; 1000 Genomes Project 0.58347; gnomAD exomes 0.58936.

Submissions (2):

GeneDx
Classification: Benign. Last evaluated: 2021-02-24. Review status: criteria provided, single submitter. Criteria: GeneDx Variant Classification Process June 2021. Collection method: clinical testing. Allele origin: germline. Affected: yes.
Comment: This variant is associated with the following publications: (PMID: 30389552)

Breakthrough Genomics
Classification: Benign. Review status: criteria provided, single submitter. Criteria: ACMG Guidelines, 2015. Collection method: not provided. Allele origin: germline. Inheritance: Unknown mechanism. Affected: yes.

NM_001441683.1(FNDC5):c.*1730C>T

Gene: FNDC5 (fibronectin type III domain containing 5; minus strand). Cytogenetic location: 1p35.1.
Variant type: single nucleotide variant.
Coding change: c.*1730C>T on transcript NM_001441683.1 (MANE Select); 1730 bases downstream of the stop codon, C replaced by T.
Molecular consequence: 3 prime UTR variant.
Genome position (GRCh38, 1-based): chr1:32,862,564, G>A on the plus strand (C>T on the coding strand, the complement: FNDC5 is on the minus strand). VCF-style: chr1-32862564-G-A. GRCh37 (hg19) VCF-style: chr1-33328165-G-A.
Other names: c.*1174C>T (NM_001171940.2, NM_001436107.1); c.*2046C>T (NM_001171941.3).
Identifiers: ClinVar variation 1227050 (VCV001227050.4), dbSNP rs3480, ClinGen allele CA10767533.
Genomic context (GRCh38, chr1:32,862,564, plus strand): 5'-AGAGTGGTGGCAGACCCAGCCTTGAGAGCTCTTGTAGACCGGAAGGAAGGGGCGGTCATT[G>A]GGTGATGGCTTCTGGCTCTCTGGCTTGGGGACCAATGCTCTTATCATTCATTTCAACAAA-3'